The following is an entry in ClinVar:

ClinVar aggregate classification (germline): Uncertain significance (1 of 4 stars; one submission).

Submission:

Labcorp Genetics (formerly Invitae), Labcorp
Classification: Uncertain significance. Last evaluated: 2025-01-19. Review status: criteria provided, single submitter. Criteria: Invitae Variant Classification Sherloc (09022015). Collection method: clinical testing. Allele origin: germline.
Comment: This sequence change replaces proline, which is neutral and non-polar, with serine, which is neutral and polar, at codon 1266 of the ARID1A protein (p.Pro1266Ser). This variant is not present in population databases (gnomAD no frequency). This variant has not been reported in the literature in individuals affected with ARID1A-related conditions. Invitae Evidence Modeling of protein sequence and biophysical properties (such as structural, functional, and spatial information, amino acid conservation, physicochemical variation, residue mobility, and thermodynamic stability) indicates that this missense variant is not expected to disrupt ARID1A protein function with a negative predictive value of 80%. In summary, the available evidence is currently insufficient to determine the role of this variant in disease. Therefore, it has been classified as a Variant of Uncertain Significance.

NM_006015.6(ARID1A):c.3796C>T (p.Pro1266Ser)

Gene: ARID1A (AT-rich interaction domain 1A; plus strand). Cytogenetic location: 1p36.11.
Variant type: single nucleotide variant.
Coding change: c.3796C>T on transcript NM_006015.6 (MANE Select); coding-DNA position 3796, C replaced by T.
Protein change: p.Pro1266Ser; replaces proline 1266 with serine.
Molecular consequence: missense variant.
Genome position (GRCh38, 1-based): chr1:26,773,426, C>T. VCF-style: chr1-26773426-C-T. GRCh37 (hg19) VCF-style: chr1-27099917-C-T.
Other names: c.3796C>T, p.Pro1266Ser (NM_139135.4); short protein forms P1266S.
Identifiers: ClinVar variation 3675596 (VCV003675596.2).